The following is an entry in ClinVar:

NM_001458.5(FLNC):c.3310G>A (p.Glu1104Lys)

Gene: FLNC (filamin C; plus strand). Cytogenetic location: 7q32.1.
Variant type: single nucleotide variant.
Coding change: c.3310G>A on transcript NM_001458.5 (MANE Select); coding-DNA position 3310, G replaced by A.
Protein change: p.Glu1104Lys; replaces glutamic acid 1104 with lysine.
Molecular consequence: missense variant.
Genome position (GRCh38, 1-based): chr7:128,844,775, G>A. VCF-style: chr7-128844775-G-A. GRCh37 (hg19) VCF-style: chr7-128484829-G-A.
Other names: c.3310G>A, p.Glu1104Lys (NM_001127487.2); short protein forms E1104K.
Identifiers: ClinVar variation 860132 (VCV000860132.16), dbSNP rs535109443, ClinGen allele CA4475015.

ClinVar aggregate classification (germline): Conflicting classifications of pathogenicity. Review status: criteria provided, conflicting classifications (1 of 4 stars). 4 submissions from 4 submitters: Uncertain significance (3); Likely benign (1). Last evaluated 2026-01-06.

Conditions:
Myofibrillar myopathy 5. Also called: FILAMINOPATHY, AUTOSOMAL DOMINANT; Filaminopathy (type). Identifiers: Orphanet 171445, MedGen C1836050, MONDO:0012289, OMIM 609524.
Distal myopathy with posterior leg and anterior hand involvement. Also called: WILLIAMS DISTAL MYOPATHY. Identifiers: Orphanet 63273, MedGen C3279722, MONDO:0013550, OMIM 614065.
Hypertrophic cardiomyopathy 26. Also called: Cardiomyopathy, familial hypertrophic, 26. Identifiers: Orphanet 75249, MedGen C4310749, MONDO:0014883, OMIM 617047.
Cardiovascular phenotype. Identifiers: MedGen CN230736.

Allele frequency attached by ClinVar (database versions not stated): gnomAD exomes 0.00001 and 0.00003; gnomAD 0.00002 and 0.00004; ExAC 0.00003; TOPMed 0.00004; 1000 Genomes Project 0.00020; 1000 Genomes Project 30x 0.00047.

Submissions (4):

Labcorp Genetics (formerly Invitae), Labcorp
Classification: Likely benign for Distal myopathy with posterior leg and anterior hand involvement; Myofibrillar myopathy 5; Hypertrophic cardiomyopathy 26. Last evaluated: 2026-01-06. Review status: criteria provided, single submitter. Criteria: Invitae Variant Classification Sherloc (09022015). Collection method: clinical testing. Allele origin: germline.

Revvity Omics, Revvity
Classification: Uncertain significance. Last evaluated: 2024-10-15. Review status: criteria provided, single submitter. Criteria: ACMG Guidelines, 2015. Collection method: clinical testing. Allele origin: germline.

Ambry Genetics
Classification: Uncertain significance for Cardiovascular phenotype. Last evaluated: 2023-03-08. Review status: criteria provided, single submitter. Criteria: Ambry Variant Classification Scheme 2023. Collection method: clinical testing. Allele origin: germline.
Comment: The p.E1104K variant (also known as c.3310G>A), located in coding exon 21 of the FLNC gene, results from a G to A substitution at nucleotide position 3310. The glutamic acid at codon 1104 is replaced by lysine, an amino acid with similar properties. This amino acid position is highly conserved in available vertebrate species. In addition, this alteration is predicted to be deleterious by in silico analysis. Since supporting evidence is limited at this time, the clinical significance of this alteration remains unclear.

GeneDx
Classification: Uncertain significance. Last evaluated: 2022-11-21. Review status: criteria provided, single submitter. Criteria: GeneDx Variant Classification Process June 2021. Collection method: clinical testing. Allele origin: germline. Affected: yes.
Comment: Has not been previously published as pathogenic or benign to our knowledge; In silico analysis supports that this missense variant has a deleterious effect on protein structure/function